The following is an entry in ClinVar:

ClinVar aggregate classification (germline): Uncertain significance (1 of 4 stars; one submission).

Conditions:
Methylmalonic acidemia with homocystinuria, type cblJ (MAHCJ). Also called: METHYLMALONIC ACIDURIA AND HOMOCYSTINURIA, cblJ TYPE. Identifiers: Orphanet 369955, MedGen C3553915, MONDO:0013925, OMIM 614857.

Allele frequency attached by ClinVar (database versions not stated): gnomAD exomes below 0.00001.
gnomAD v4.1: 2 of 1,614,100 alleles (0.00012%); highest among the groups gnomAD compares: Non-Finnish European, 0.00017%; no homozygotes.

Submission:

Labcorp Genetics (formerly Invitae), Labcorp
Classification: Uncertain significance for Methylmalonic acidemia with homocystinuria, type cblJ. Last evaluated: 2023-11-27. Review status: criteria provided, single submitter. Criteria: Invitae Variant Classification Sherloc (09022015). Collection method: clinical testing. Allele origin: germline.
Comment: This sequence change replaces threonine, which is neutral and polar, with methionine, which is neutral and non-polar, at codon 572 of the ABCD4 protein (p.Thr572Met). This variant is present in population databases (no rsID available, gnomAD 0.0009%). This variant has not been reported in the literature in individuals affected with ABCD4-related conditions. ClinVar contains an entry for this variant (Variation ID: 1961050). Advanced modeling of protein sequence and biophysical properties (such as structural, functional, and spatial information, amino acid conservation, physicochemical variation, residue mobility, and thermodynamic stability) performed at Invitae indicates that this missense variant is expected to disrupt ABCD4 protein function with a positive predictive value of 95%. In summary, the available evidence is currently insufficient to determine the role of this variant in disease. Therefore, it has been classified as a Variant of Uncertain Significance.

NM_005050.4(ABCD4):c.1715C>T (p.Thr572Met)

Gene: ABCD4 (ATP binding cassette subfamily D member 4; minus strand). Cytogenetic location: 14q24.3.
Variant type: single nucleotide variant.
Coding change: c.1715C>T on transcript NM_005050.4 (MANE Select); coding-DNA position 1715, C replaced by T.
Protein change: p.Thr572Met; replaces threonine 572 with methionine.
Molecular consequence: missense variant. On other transcripts: 3 prime UTR variant (1), non-coding transcript variant (10).
Genome position (GRCh38, 1-based): chr14:74,286,738, G>A on the plus strand (C>T on the coding strand, the complement: ABCD4 is on the minus strand). VCF-style: chr14-74286738-G-A. GRCh37 (hg19) VCF-style: chr14-74753441-G-A.
Other names: c.1589C>T, p.Thr530Met (NM_001353591.2, NM_001353592.2); c.1454C>T, p.Thr485Met (NM_001353593.2); c.1403C>T, p.Thr468Met (NM_001353594.2); c.1301C>T, p.Thr434Met (NM_001353595.2, NM_001353596.2); c.1250C>T, p.Thr417Met (NM_001353597.2); c.1238C>T, p.Thr413Met (NM_001353598.2, NM_001353599.2, NM_001353600.2 and 2 more transcripts); c.926C>T, p.Thr309Met (NM_001353602.2, NM_001353603.2, NM_001353604.2 and 5 more transcripts); c.*52C>T (NM_001353610.2); and 2 more; short protein forms T413M, T309M, T417M, T434M, T468M, T530M, T572M, T485M.
Identifiers: ClinVar variation 1961050 (VCV001961050.5), dbSNP rs1401753431, ClinGen allele CA390376914.